The following is an entry in ClinVar:

NM_006231.4(POLE):c.5702A>C (p.His1901Pro)

Gene: POLE (DNA polymerase epsilon, catalytic subunit; minus strand). Cytogenetic location: 12q24.33.
Variant type: single nucleotide variant.
Coding change: c.5702A>C on transcript NM_006231.4 (MANE Select); coding-DNA position 5702, A replaced by C.
Protein change: p.His1901Pro; replaces histidine 1901 with proline.
Molecular consequence: missense variant.
Genome position (GRCh38, 1-based): chr12:132,636,001, T>G on the plus strand (A>C on the coding strand, the complement: POLE is on the minus strand). VCF-style: chr12-132636001-T-G. GRCh37 (hg19) VCF-style: chr12-133212587-T-G.
Other names: short protein forms H1901P.
Identifiers: ClinVar variation 1749180 (VCV001749180.2), dbSNP rs2138486929, ClinGen allele CA387373214.

ClinVar aggregate classification (germline): Uncertain significance (1 of 4 stars; one submission).

Conditions:
Hereditary cancer-predisposing syndrome. Also called: Hereditary Cancer Syndrome; Hereditary neoplastic syndrome; Neoplastic Syndromes, Hereditary; Tumor predisposition. Identifiers: Orphanet 140162, MedGen C0027672, MeSH D009386, MONDO:0015356.

Submission:

Ambry Genetics
Classification: Uncertain significance for Hereditary cancer-predisposing syndrome. Last evaluated: 2021-06-30. Review status: criteria provided, single submitter. Criteria: Ambry Variant Classification Scheme 2023. Collection method: clinical testing. Allele origin: germline.
Comment: The p.H1901P variant (also known as c.5702A>C), located in coding exon 42 of the POLE gene, results from an A to C substitution at nucleotide position 5702. The histidine at codon 1901 is replaced by proline, an amino acid with similar properties. This amino acid position is conserved. In addition, the in silico prediction for this alteration is inconclusive. Since supporting evidence is limited at this time, the clinical significance of this alteration remains unclear.